The following is an entry in ClinVar:

ClinVar aggregate classification (germline): Uncertain significance (1 of 4 stars; one submission).

Conditions:
Hereditary cancer-predisposing syndrome. Also called: Neoplastic Syndromes, Hereditary; Tumor predisposition; Hereditary Cancer Syndrome; Hereditary neoplastic syndrome. Identifiers: Orphanet 140162, MedGen C0027672, MeSH D009386, MONDO:0015356.

Submission:

Ambry Genetics
Classification: Uncertain significance for Hereditary cancer-predisposing syndrome. Last evaluated: 2022-05-01. Review status: criteria provided, single submitter. Criteria: Ambry Variant Classification Scheme 2023. Collection method: clinical testing. Allele origin: germline.
Comment: The p.N303T variant (also known as c.908A>C), located in coding exon 10 of the NF2 gene, results from an A to C substitution at nucleotide position 908. The asparagine at codon 303 is replaced by threonine, an amino acid with similar properties. This amino acid position is conserved. In addition, the in silico prediction for this alteration is inconclusive. Since supporting evidence is limited at this time, the clinical significance of this alteration remains unclear.

NM_000268.4(NF2):c.908A>C (p.Asn303Thr)

Gene: NF2 (NF2, moesin-ezrin-radixin like (MERLIN) tumor suppressor; plus strand). Cytogenetic location: 22q12.2.
Variant type: single nucleotide variant.
Coding change: c.908A>C on transcript NM_000268.4 (MANE Select); coding-DNA position 908, A replaced by C.
Protein change: p.Asn303Thr; replaces asparagine 303 with threonine.
Molecular consequence: missense variant. On other transcripts: non-coding transcript variant (1), intron variant (1).
Genome position (GRCh38, 1-based): chr22:29,668,355, A>C. VCF-style: chr22-29668355-A-C. GRCh37 (hg19) VCF-style: chr22-30064344-A-C.
Other names: c.794A>C, p.Asn265Thr (NM_001407053.1, NM_001407056.1); c.785A>C, p.Asn262Thr (NM_001407054.1, NM_001407058.1, NM_181829.3); c.782A>C, p.Asn261Thr (NM_001407055.1, NM_181828.3); c.773A>C, p.Asn258Thr (NM_001407057.1, NM_001407059.1); c.908A>C, p.Asn303Thr (NM_001407060.1, NM_001407066.1, NM_016418.5 and 2 more transcripts); c.650A>C, p.Asn217Thr (NM_001407062.1); c.659A>C, p.Asn220Thr (NM_001407063.1, NM_001407064.1, NM_181830.3 and 1 more transcripts); c.374A>C, p.Asn125Thr (NM_001407065.1); and 2 more; short protein forms N125T, N217T, N303T, N226T, N265T, N258T, N262T, N220T.
Identifiers: ClinVar variation 1765730 (VCV001765730.2), dbSNP rs2518645202, ClinGen allele CA411145630.